The following is an entry in ClinVar:

ClinVar aggregate classification (germline): Uncertain significance (1 of 4 stars; one submission).

Allele frequency attached by ClinVar (database versions not stated): ExAC 0.00001.

Submission:

Labcorp Genetics (formerly Invitae), Labcorp
Classification: Uncertain significance. Last evaluated: 2024-07-29. Review status: criteria provided, single submitter. Criteria: Invitae Variant Classification Sherloc (09022015). Collection method: clinical testing. Allele origin: germline.
Comment: This sequence change replaces valine, which is neutral and non-polar, with alanine, which is neutral and non-polar, at codon 466 of the CLCC1 protein (p.Val466Ala). This variant is present in population databases (rs780097531, gnomAD 0.003%). This variant has not been reported in the literature in individuals affected with CLCC1-related conditions. ClinVar contains an entry for this variant (Variation ID: 2066059). An algorithm developed to predict the effect of missense changes on protein structure and function (PolyPhen-2) suggests that this variant is likely to be tolerated. In summary, the available evidence is currently insufficient to determine the role of this variant in disease. Therefore, it has been classified as a Variant of Uncertain Significance.

NM_001377458.1(CLCC1):c.1397T>C (p.Val466Ala)

Gene: CLCC1 (chloride channel CLIC like 1; minus strand). Cytogenetic location: 1p13.3.
Variant type: single nucleotide variant.
Coding change: c.1397T>C on transcript NM_001377458.1 (MANE Select); coding-DNA position 1397, T replaced by C.
Protein change: p.Val466Ala; replaces valine 466 with alanine.
Molecular consequence: missense variant. On other transcripts: non-coding transcript variant (1).
Genome position (GRCh38, 1-based): chr1:108,934,929, A>G on the plus strand (T>C on the coding strand, the complement: CLCC1 is on the minus strand). VCF-style: chr1-108934929-A-G. GRCh37 (hg19) VCF-style: chr1-109477551-A-G.
Other names: c.1397T>C, p.Val466Ala (NM_001048210.3, NM_001377459.1, NM_001377460.1 and 8 more transcripts); c.1034T>C, p.Val345Ala (NM_001278202.2); c.842T>C, p.Val281Ala (NM_001278203.1); c.1295T>C, p.Val432Ala (NM_001377469.1); c.1106T>C, p.Val369Ala (NM_001377470.1); c.1247T>C, p.Val416Ala (NM_015127.5); short protein forms V466A, V281A, V416A, V345A, V432A, V369A.
Identifiers: ClinVar variation 2066059 (VCV002066059.4), dbSNP rs780097531, ClinGen allele CA983333.